The following is an entry in ClinVar:

ClinVar aggregate classification (germline): Uncertain significance (1 of 4 stars; one submission).

Allele frequency attached by ClinVar (database versions not stated): gnomAD 0.00001; TOPMed 0.00001.
gnomAD v4.1: 3 of 1,613,906 alleles (0.00019%); highest among the groups gnomAD compares: African/African-American, 0.004%; no homozygotes.

Submission:

Ambry Genetics
Classification: Uncertain significance. Last evaluated: 2022-01-05. Review status: criteria provided, single submitter. Criteria: Ambry Variant Classification Scheme 2023. Collection method: clinical testing. Allele origin: germline.
Comment: The p.Y1404C variant (also known as c.4211A>G), located in coding exon 33 of the A2ML1 gene, results from an A to G substitution at nucleotide position 4211. The tyrosine at codon 1404 is replaced by cysteine, an amino acid with highly dissimilar properties. This amino acid position is conserved. In addition, this alteration is predicted to be deleterious by in silico analysis. Since supporting evidence is limited at this time, the clinical significance of this alteration remains unclear.

NM_144670.6(A2ML1):c.4211A>G (p.Tyr1404Cys)

Gene: A2ML1 (alpha-2-macroglobulin like 1; plus strand). Cytogenetic location: 12p13.31.
Variant type: single nucleotide variant.
Coding change: c.4211A>G on transcript NM_144670.6 (MANE Select); coding-DNA position 4211, A replaced by G.
Protein change: p.Tyr1404Cys; replaces tyrosine 1404 with cysteine.
Molecular consequence: missense variant.
Genome position (GRCh38, 1-based): chr12:8,869,193, A>G. VCF-style: chr12-8869193-A-G. GRCh37 (hg19) VCF-style: chr12-9021789-A-G.
Other names: c.2738A>G, p.Tyr913Cys (NM_001282424.3); short protein forms Y1404C, Y913C.
Identifiers: ClinVar variation 1738757 (VCV001738757.2), dbSNP rs926435081, ClinGen allele CA232633481.